The following is an entry in ClinVar:

NM_018896.5(CACNA1G):c.4988T>A (p.Val1663Glu)

Gene: CACNA1G (calcium voltage-gated channel subunit alpha1 G; plus strand). Cytogenetic location: 17q21.33.
Variant type: single nucleotide variant.
Coding change: c.4988T>A on transcript NM_018896.5 (MANE Select); coding-DNA position 4988, T replaced by A.
Protein change: p.Val1663Glu; replaces valine 1663 with glutamic acid.
Molecular consequence: missense variant. On other transcripts: non-coding transcript variant (5).
Genome position (GRCh38, 1-based): chr17:50,616,351, T>A. VCF-style: chr17-50616351-T-A. GRCh37 (hg19) VCF-style: chr17-48693712-T-A.
Other names: c.4934T>A, p.Val1645Glu (NM_001256324.2, NM_001256328.2, NM_198386.3); c.5009T>A, p.Val1670Glu (NM_001256325.2); c.4853T>A, p.Val1618Glu (NM_001256326.2, NM_001256330.2); c.4988T>A, p.Val1663Glu (NM_001256327.2, NM_001256333.2, NM_198384.3 and 1 more transcripts); c.4886T>A, p.Val1629Glu (NM_001256329.2, NM_198376.3, NM_198379.3 and 2 more transcripts); c.4832T>A, p.Val1611Glu (NM_001256331.2); c.4817T>A, p.Val1606Glu (NM_001256332.2); c.4955T>A, p.Val1652Glu (NM_001256334.2, NM_198377.3, NM_198378.3 and 1 more transcripts); and 5 more; short protein forms V1606E, V1611E, V1618E, V1622E, V1625E, V1627E, V1629E, V1636E.
Identifiers: ClinVar variation 3363781 (VCV003363781.1).
Genomic context (GRCh38, chr17:50,616,351, plus strand): 5'-TGAAGATCTGCAACTACATCTTCACTGTCATCTTTGTCTTGGAGTCAGTTTTCAAACTTG[T>A]GGCCTTTGGTTTCCGTCGGTTCTTCCAGGACAGGTAACGGAGAAAAGGGGGGTCTTGGGG-3'
Protein context (NP_061496.2, residues 1653-1673): IFVLESVFKL[Val1663Glu]AFGFRRFFQD

ClinVar aggregate classification (germline): Uncertain significance (1 of 4 stars; one submission).

Submission:

GeneDx
Classification: Uncertain significance. Last evaluated: 2023-11-07. Review status: criteria provided, single submitter. Criteria: GeneDx Variant Classification Process June 2021. Collection method: clinical testing. Allele origin: germline. Affected: yes.
Comment: Not observed at significant frequency in large population cohorts (gnomAD); In silico analysis supports that this missense variant has a deleterious effect on protein structure/function; Has not been previously published as pathogenic or benign to our knowledge